The following is an entry in ClinVar:

ClinVar aggregate classification (germline): Uncertain significance. Review status: criteria provided, multiple submitters, no conflicts (2 of 4 stars). 3 submissions from 3 submitters: Uncertain significance (3). Last evaluated 2025-02-10.

Conditions:
TGFB1-related disorder. Also called: TGFB1-related condition.

Submissions (3):

Labcorp Genetics (formerly Invitae), Labcorp
Classification: Uncertain significance. Last evaluated: 2025-02-10. Review status: criteria provided, single submitter. Criteria: Invitae Variant Classification Sherloc (09022015). Collection method: clinical testing. Allele origin: germline.
Comment: This sequence change replaces asparagine, which is neutral and polar, with threonine, which is neutral and polar, at codon 344 of the TGFB1 protein (p.Asn344Thr). This variant is not present in population databases (gnomAD no frequency). This variant has not been reported in the literature in individuals affected with TGFB1-related conditions. ClinVar contains an entry for this variant (Variation ID: 1306494). Invitae Evidence Modeling of protein sequence and biophysical properties (such as structural, functional, and spatial information, amino acid conservation, physicochemical variation, residue mobility, and thermodynamic stability) indicates that this missense variant is not expected to disrupt TGFB1 protein function with a negative predictive value of 80%. In summary, the available evidence is currently insufficient to determine the role of this variant in disease. Therefore, it has been classified as a Variant of Uncertain Significance.

PreventionGenetics, part of Exact Sciences
Classification: Uncertain significance for TGFB1-related condition. Last evaluated: 2024-11-20. Review status: criteria provided, single submitter. Criteria: ACMG Guidelines, 2015. Collection method: clinical testing. Allele origin: germline.
Comment: The TGFB1 c.1031A>C variant is predicted to result in the amino acid substitution p.Asn344Thr. To our knowledge, this variant has not been reported in the literature or in a large population database (gnomAD), indicating this variant is rare. At this time, the clinical significance of this variant is uncertain due to the absence of conclusive functional and genetic evidence.

GeneDx
Classification: Uncertain significance. Last evaluated: 2019-06-14. Review status: criteria provided, single submitter. Criteria: GeneDx Variant Classification Process June 2021. Collection method: clinical testing. Allele origin: germline. Affected: yes.
Comment: Not observed in large population cohorts (Lek et al., 2016); In silico analysis, which includes protein predictors and evolutionary conservation, supports a deleterious effect; Has not been previously published as pathogenic or benign to our knowledge

NM_000660.7(TGFB1):c.1031A>C (p.Asn344Thr)

Gene: TGFB1 (transforming growth factor beta 1; minus strand). Cytogenetic location: 19q13.2.
Variant type: single nucleotide variant.
Coding change: c.1031A>C on transcript NM_000660.7 (MANE Select); coding-DNA position 1031, A replaced by C.
Protein change: p.Asn344Thr; replaces asparagine 344 with threonine.
Molecular consequence: missense variant.
Genome position (GRCh38, 1-based): chr19:41,331,194, T>G on the plus strand (A>C on the coding strand, the complement: TGFB1 is on the minus strand). VCF-style: chr19-41331194-T-G. GRCh37 (hg19) VCF-style: chr19-41837099-T-G.
Other names: c.1031A>C (NM_000660.6); short protein forms N344T.
Identifiers: ClinVar variation 1306494 (VCV001306494.4), dbSNP rs2123077879, ClinGen allele CA405997950.